The following is an entry in ClinVar:

ClinVar aggregate classification (germline): Benign/Likely benign. Review status: criteria provided, multiple submitters, no conflicts (2 of 4 stars). 3 submissions from 2 submitters: Benign (1); Likely benign (2). Last evaluated 2021-05-22.

Conditions:
Optic atrophy 3 (OPA3). Also called: OPTIC ATROPHY 3, AUTOSOMAL DOMINANT; Optic atrophy, cataract, and neurologic disorder; Optic atrophy 3 with cataract. Identifiers: Orphanet 67036, MedGen C1833809, MONDO:0008133, OMIM 165300.
3-Methylglutaconic aciduria type 3 (MGCA3). Also called: OPA3, AUTOSOMAL RECESSIVE; OPTIC ATROPHY 3, AUTOSOMAL RECESSIVE; Costeff Syndrome; OPA3-Related 3-Methylglutaconic Aciduria. Identifiers: Orphanet 67047, MedGen C0574084, MONDO:0009787, OMIM 258501.

Allele frequency attached by ClinVar (database versions not stated): gnomAD 0.00783 and 0.00810; TOPMed 0.00830; 1000 Genomes Project 0.00958; 1000 Genomes Project 30x 0.01015.

Submissions (3):

GeneDx
Classification: Likely benign. Last evaluated: 2021-05-22. Review status: criteria provided, single submitter. Criteria: GeneDx Variant Classification Process June 2021. Collection method: clinical testing. Allele origin: germline. Affected: yes.

Illumina Laboratory Services, Illumina
Classification: Likely benign for 3-Methylglutaconic aciduria type 3. Last evaluated: 2018-01-12. Review status: criteria provided, single submitter. Criteria: ICSL Variant Classification Criteria 13 December 2019. Collection method: clinical testing. Allele origin: germline.
Comment: This variant was observed in the ICSL laboratory as part of a predisposition screen in an ostensibly healthy population. It had not been previously curated by ICSL or reported in the Human Gene Mutation Database (HGMD: prior to June 1st, 2018), and was therefore a candidate for classification through an automated scoring system. Utilizing variant allele frequency, disease prevalence and penetrance estimates, and inheritance mode, an automated score was calculated to assess if this variant is too frequent to cause the disease. Based on the score and internal cut-off values, a variant classified as likely benign is not then subjected to further curation. The score for this variant resulted in a classification of likely benign for this disease.

Illumina Laboratory Services, Illumina
Classification: Benign for Optic atrophy 3. Last evaluated: 2018-01-12. Review status: criteria provided, single submitter. Criteria: ICSL Variant Classification Criteria 13 December 2019. Collection method: clinical testing. Allele origin: germline.
Comment: This variant was observed in the ICSL laboratory as part of a predisposition screen in an ostensibly healthy population. It had not been previously curated by ICSL or reported in the Human Gene Mutation Database (HGMD: prior to June 1st, 2018), and was therefore a candidate for classification through an automated scoring system. Utilizing variant allele frequency, disease prevalence and penetrance estimates, and inheritance mode, an automated score was calculated to assess if this variant is too frequent to cause the disease. Based on the score and internal cut-off values, a variant classified as benign is not then subjected to further curation. The score for this variant resulted in a classification of benign for this disease.

NM_025136.4(OPA3):c.*6294A>C

Genes: OPA3 (outer mitochondrial membrane lipid metabolism regulator OPA3; minus strand), OPA3-RTN2 (OPA3-RTN2 readthrough; minus strand). Cytogenetic location: 19q13.32.
Variant type: single nucleotide variant.
Coding change: c.*6294A>C on transcript NM_025136.4 (MANE Select); 6294 bases downstream of the stop codon, A replaced by C.
Molecular consequence: 3 prime UTR variant. On other transcripts: intron variant (1).
Genome position (GRCh38, 1-based): chr19:45,547,220, T>G on the plus strand (A>C on the coding strand, the complement: OPA3 is on the minus strand). VCF-style: chr19-45547220-T-G. GRCh37 (hg19) VCF-style: chr19-46050478-T-G.
Other names: c.143-17764A>C (NM_001017989.3).
Identifiers: ClinVar variation 329566 (VCV000329566.6), dbSNP rs114655581, ClinGen allele CA10652087.